The following is an entry in ClinVar:

NM_018136.5(ASPM):c.4367G>A (p.Trp1456Ter)

Gene: ASPM (assembly factor for spindle microtubules; minus strand). Cytogenetic location: 1q31.3.
Variant type: single nucleotide variant.
Coding change: c.4367G>A on transcript NM_018136.5 (MANE Select); coding-DNA position 4367, G replaced by A.
Protein change: p.Trp1456Ter; replaces tryptophan 1456 with a stop codon.
Molecular consequence: nonsense. On other transcripts: intron variant (1).
Genome position (GRCh38, 1-based): chr1:197,104,884, C>T on the plus strand (G>A on the coding strand, the complement: ASPM is on the minus strand). VCF-style: chr1-197104884-C-T. GRCh37 (hg19) VCF-style: chr1-197074014-C-T.
Other names: c.4066-8720G>A (NM_001206846.2); short protein forms W1456*.
Identifiers: ClinVar variation 2030973 (VCV002030973.4), dbSNP rs746013650, ClinGen allele CA1309943.

ClinVar aggregate classification (germline): Pathogenic (1 of 4 stars; one submission).

Allele frequency attached by ClinVar (database versions not stated): ExAC 0.00001.

Submission:

Labcorp Genetics (formerly Invitae), Labcorp
Classification: Pathogenic. Last evaluated: 2022-09-17. Review status: criteria provided, single submitter. Criteria: Invitae Variant Classification Sherloc (09022015). Collection method: clinical testing. Allele origin: germline.
Comment: This sequence change creates a premature translational stop signal (p.Trp1456*) in the ASPM gene. It is expected to result in an absent or disrupted protein product. Loss-of-function variants in ASPM are known to be pathogenic (PMID: 19028728, 23611254). This variant is present in population databases (rs746013650, gnomAD 0.0009%). This variant has not been reported in the literature in individuals affected with ASPM-related conditions. For these reasons, this variant has been classified as Pathogenic.

Literature cited by the submitters: PubMed 19028728; PubMed 23611254.